The following is an entry in ClinVar:

NM_001004334.4(GPR179):c.2123G>A (p.Arg708Gln)

Gene: GPR179 (G protein-coupled receptor 179; minus strand). Cytogenetic location: 17q12.
Variant type: single nucleotide variant.
Coding change: c.2123G>A on transcript NM_001004334.4 (MANE Select); coding-DNA position 2123, G replaced by A.
Protein change: p.Arg708Gln; replaces arginine 708 with glutamine.
Molecular consequence: missense variant.
Genome position (GRCh38, 1-based): chr17:38,331,446, C>T on the plus strand (G>A on the coding strand, the complement: GPR179 is on the minus strand). VCF-style: chr17-38331446-C-T. GRCh37 (hg19) VCF-style: chr17-36487329-C-T.
Other names: c.2123G>A (NM_001004334.2); short protein forms R708Q.
Identifiers: ClinVar variation 1392245 (VCV001392245.9), dbSNP rs376095793, ClinGen allele CA290106141.

ClinVar aggregate classification (germline): Uncertain significance. Review status: criteria provided, multiple submitters, no conflicts (2 of 4 stars). 3 submissions from 3 submitters: Uncertain significance (3). Last evaluated 2024-07-12.

Conditions:
Inborn genetic diseases. Identifiers: MedGen C0950123, MeSH D030342.

Allele frequency attached by ClinVar (database versions not stated): ExAC 0.00001; gnomAD exomes 0.00001 and 0.00004; gnomAD 0.00002; TOPMed 0.00004; ESP Exome Variant Server 0.00008.
gnomAD v4.1: 59 of 1,614,050 alleles (0.0037%); highest among the groups gnomAD compares: Non-Finnish European, 0.0042%; no homozygotes.

Submissions (3):

Labcorp Genetics (formerly Invitae), Labcorp
Classification: Uncertain significance. Last evaluated: 2024-07-12. Review status: criteria provided, single submitter. Criteria: Invitae Variant Classification Sherloc (09022015). Collection method: clinical testing. Allele origin: germline.
Comment: This sequence change replaces arginine, which is basic and polar, with glutamine, which is neutral and polar, at codon 708 of the GPR179 protein (p.Arg708Gln). This variant is present in population databases (rs376095793, gnomAD 0.002%). This variant has not been reported in the literature in individuals affected with GPR179-related conditions. ClinVar contains an entry for this variant (Variation ID: 1392245). An algorithm developed to predict the effect of missense changes on protein structure and function outputs the following: PolyPhen-2: "Benign". The glutamine amino acid residue is found in multiple mammalian species, which suggests that this missense change does not adversely affect protein function. In summary, the available evidence is currently insufficient to determine the role of this variant in disease. Therefore, it has been classified as a Variant of Uncertain Significance.

Ambry Genetics
Classification: Uncertain significance for Inborn genetic diseases. Last evaluated: 2023-06-01. Review status: criteria provided, single submitter. Criteria: Ambry Variant Classification Scheme 2023. Collection method: clinical testing. Allele origin: germline.

Blueprint Genetics
Classification: Uncertain significance. Last evaluated: 2020-10-29. Review status: criteria provided, single submitter. Criteria: ACMG Guidelines, 2015. Collection method: clinical testing. Allele origin: germline.